The following is an entry in ClinVar:

NM_024529.5(CDC73):c.434G>T (p.Cys145Phe)

Gene: CDC73 (cell division cycle 73; plus strand). Cytogenetic location: 1q31.2.
Variant type: single nucleotide variant.
Coding change: c.434G>T on transcript NM_024529.5 (MANE Select); coding-DNA position 434, G replaced by T.
Protein change: p.Cys145Phe; replaces cysteine 145 with phenylalanine.
Molecular consequence: missense variant.
Genome position (GRCh38, 1-based): chr1:193,138,095, G>T. VCF-style: chr1-193138095-G-T. GRCh37 (hg19) VCF-style: chr1-193107225-G-T.
Other names: short protein forms C145F.
Identifiers: ClinVar variation 4631666 (VCV004631666.1).

ClinVar aggregate classification (germline): Uncertain significance (1 of 4 stars; one submission).

Conditions:
Hereditary cancer-predisposing syndrome. Also called: Neoplastic Syndromes, Hereditary; Tumor predisposition; Hereditary Cancer Syndrome; Hereditary neoplastic syndrome. Identifiers: Orphanet 140162, MedGen C0027672, MeSH D009386, MONDO:0015356.

Submission:

Ambry Genetics
Classification: Uncertain significance for Hereditary cancer-predisposing syndrome. Last evaluated: 2025-11-12. Review status: criteria provided, single submitter. Criteria: Ambry Variant Classification Scheme 2023. Collection method: clinical testing. Allele origin: germline.
Comment: The p.C145F variant (also known as c.434G>T), located in coding exon 6 of the CDC73 gene, results from a G to T substitution at nucleotide position 434. The cysteine at codon 145 is replaced by phenylalanine, an amino acid with highly dissimilar properties. This amino acid position is conserved. In addition, the in silico prediction for this alteration is inconclusive. Based on the available evidence, the clinical significance of this variant remains unclear.